The following is an entry in ClinVar:

NM_012062.5(DNM1L):c.1409_1411del (p.Cys470_Leu471delinsPhe)

Gene: DNM1L (dynamin 1 like; plus strand). Cytogenetic location: 12p11.21.
Variant type: Deletion.
Coding change: c.1409_1411del on transcript NM_012062.5 (MANE Select); coding-DNA positions 1409 to 1411, 3 bases deleted (GTC; older notation c.1409_1411delGTC).
Protein change: p.Cys470_Leu471delinsPhe.
Molecular consequence: inframe indel.
Genome position (GRCh38, 1-based): chr12:32,731,906-32,731,908, GTC deleted. VCF-style (leftmost placement, unchanged base first): chr12-32731905-TGTC-T. GRCh37 (hg19) VCF-style: chr12-32884839-TGTC-T.
Other names: c.1409_1411del, p.Cys470_Leu471delinsPhe (NM_001278463.2, NM_005690.5, NM_012063.4); c.1448_1450del, p.Cys483_Leu484delinsPhe (NM_001278464.2, NM_001278465.2, NM_001330380.2); c.800_802del, p.Cys267_Leu268delinsPhe (NM_001278466.2).
Identifiers: ClinVar variation 3716971 (VCV003716971.2).

ClinVar aggregate classification (germline): Uncertain significance (1 of 4 stars; one submission).

Submission:

Labcorp Genetics (formerly Invitae), Labcorp
Classification: Uncertain significance. Last evaluated: 2024-09-14. Review status: criteria provided, single submitter. Criteria: Invitae Variant Classification Sherloc (09022015). Collection method: clinical testing. Allele origin: germline.
Comment: This variant, c.1409_1411del, is a complex sequence change that results in the deletion of 2 and insertion of 1 amino acid(s) in the DNM1L protein (p.Cys470_Leu471delinsPhe). This variant is not present in population databases (gnomAD no frequency). This variant has not been reported in the literature in individuals affected with DNM1L-related conditions. Experimental studies and prediction algorithms are not available or were not evaluated, and the functional significance of this variant is currently unknown. In summary, the available evidence is currently insufficient to determine the role of this variant in disease. Therefore, it has been classified as a Variant of Uncertain Significance.